The following is an entry in ClinVar:

ClinVar aggregate classification (germline): Uncertain significance (1 of 4 stars; one submission).

Conditions:
Hereditary cancer-predisposing syndrome. Also called: Neoplastic Syndromes, Hereditary; Tumor predisposition; Hereditary neoplastic syndrome; Hereditary Cancer Syndrome. Identifiers: Orphanet 140162, MedGen C0027672, MeSH D009386, MONDO:0015356.

Submission:

Ambry Genetics
Classification: Uncertain significance for Hereditary cancer-predisposing syndrome. Last evaluated: 2023-11-10. Review status: criteria provided, single submitter. Criteria: Ambry Variant Classification Scheme 2023. Collection method: clinical testing. Allele origin: germline.
Comment: The p.E576Q variant (also known as c.1726G>C), located in coding exon 11 of the FLCN gene, results from a G to C substitution at nucleotide position 1726. The glutamic acid at codon 576 is replaced by glutamine, an amino acid with highly similar properties. This amino acid position is conserved. In addition, the in silico prediction for this alteration is inconclusive. Since supporting evidence is limited at this time, the clinical significance of this alteration remains unclear.

NM_144997.7(FLCN):c.1726G>C (p.Glu576Gln)

Gene: FLCN (folliculin; minus strand). Cytogenetic location: 17p11.2.
Variant type: single nucleotide variant.
Coding change: c.1726G>C on transcript NM_144997.7 (MANE Select); coding-DNA position 1726, G replaced by C.
Protein change: p.Glu576Gln; replaces glutamic acid 576 with glutamine.
Molecular consequence: missense variant.
Genome position (GRCh38, 1-based): chr17:17,213,669, C>G on the plus strand (G>C on the coding strand, the complement: FLCN is on the minus strand). VCF-style: chr17-17213669-C-G. GRCh37 (hg19) VCF-style: chr17-17116983-C-G.
Other names: c.1780G>C, p.Glu594Gln (NM_001353229.2); c.1726G>C, p.Glu576Gln (NM_001353230.2, NM_001353231.2); short protein forms E576Q, E594Q.
Identifiers: ClinVar variation 3229241 (VCV003229241.1), dbSNP rs2144805999, ClinGen allele CA398529775.